The following is an entry in ClinVar:

ClinVar aggregate classification (germline): Pathogenic/Likely pathogenic. Review status: criteria provided, multiple submitters, no conflicts (2 of 4 stars). 3 submissions from 2 submitters: Pathogenic (2); Likely pathogenic (1). Last evaluated 2023-06-17.

Conditions:
Retinitis pigmentosa (RP). Identifiers: Orphanet 791, MedGen C0035334, MeSH D012174, MONDO:0019200, OMIM 268000. Inheritance: Autosomal dominant, autosomal recessive and X linked inheritance.
Alstrom syndrome (ALMS). Identifiers: Orphanet 64, MedGen C0268425, MONDO:0008763, OMIM 203800.

Allele frequency attached by ClinVar (database versions not stated): gnomAD exomes below 0.00001; TOPMed below 0.00001.

Submissions (3):

Labcorp Genetics (formerly Invitae), Labcorp
Classification: Pathogenic for Alstrom syndrome. Last evaluated: 2023-06-17. Review status: criteria provided, single submitter. Criteria: Invitae Variant Classification Sherloc (09022015). Collection method: clinical testing. Allele origin: germline.
Comment: This sequence change creates a premature translational stop signal (p.Phe279Serfs*16) in the ALMS1 gene. It is expected to result in an absent or disrupted protein product. Loss-of-function variants in ALMS1 are known to be pathogenic (PMID: 17594715). This variant is not present in population databases (gnomAD no frequency). This premature translational stop signal has been observed in individual(s) with inherited retinal dystrophy (PMID: 32037395). This variant is also known as c.833_834delTC. ClinVar contains an entry for this variant (Variation ID: 1297102). For these reasons, this variant has been classified as Pathogenic.

Broad Center for Mendelian Genomics, Broad Institute of MIT and Harvard
Classification: Pathogenic for Alstrom syndrome. Last evaluated: 2022-05-04. Review status: criteria provided, single submitter. Criteria: ACMG Guidelines, 2015. Collection method: curation. Allele origin: germline. Inheritance: Autosomal recessive inheritance.
Comment: The variant has not been previously reported in individuals with Alstrom syndrome and was absent from large population studies. This variant is predicted to cause a frameshift, which alters the protein’s amino acid sequence beginning at position 278 and leads to a premature termination codon 16 amino acids downstream. This alteration is then predicted to lead to a truncated or absent protein. Loss of function of the ALMS1 gene is an established disease mechanism in autosomal recessive Alstrom syndrome. The presence of this variant in combination with a reported pathogenic variants increases the likelihood that the p.Phe278SerfsTer16 variant is pathogenic (Variation ID: 550627). In summary, this variant meets criteria to be classified as pathogenic for Alstrom syndrome in an autosomal recessive manner based on the predicted impact of the variant, its absence from control populations, and its occurrence in trans with another pathogenic variant. ACMG/AMP Criteria applied: PVS1, PM2, PM3 (Richards 2015).

Broad Center for Mendelian Genomics, Broad Institute of MIT and Harvard
Classification: Likely pathogenic for Retinitis pigmentosa. Last evaluated: 2021-04-01. Review status: criteria provided, single submitter. Criteria: ACMG Guidelines, 2015. Collection method: curation. Allele origin: germline. Inheritance: Autosomal recessive inheritance. Affected: yes.
Comment: Through a review of available evidence we were able to apply the following criteria: PVS1, PM2. Based on this evidence we have classified this variant as Likely Pathogenic. If you have any questions about the classification please reach out to the Pierce Lab.

Literature cited by the submitters: PubMed 17594715 (cited by Labcorp Genetics (formerly Invitae), Labcorp); PubMed 32037395 (cited by Labcorp Genetics (formerly Invitae), Labcorp); PubMed 34906470 (cited by Broad Center for Mendelian Genomics, Broad Institute of MIT and Harvard).

NM_001378454.1(ALMS1):c.833_834del (p.Phe278fs)

Gene: ALMS1 (ALMS1 centrosome and basal body associated protein; plus strand). Cytogenetic location: 2p13.1.
Variant type: Deletion.
Coding change: c.833_834del on transcript NM_001378454.1 (MANE Select); coding-DNA positions 833 to 834, 2 bases deleted (TC; older notation c.833_834delTC).
Protein change: p.Phe278fs; shifts the reading frame from phenylalanine 278.
Molecular consequence: frameshift variant.
Genome position (GRCh38, 1-based): chr2:73,424,498-73,424,499, TC deleted. VCF-style (leftmost placement, unchanged base first): chr2-73424497-TTC-T. GRCh37 (hg19) VCF-style: chr2-73651625-TTC-T.
Other names: NM_015120.4:c.836_837del; c.836_837del, p.Phe279fs (NM_015120.4); short protein forms F278fs, F279fs.
Identifiers: ClinVar variation 1297102 (VCV001297102.6), dbSNP rs1671340542, ClinGen allele CA916084359.